The following is an entry in ClinVar:

ClinVar aggregate classification (germline): Uncertain significance (1 of 4 stars; one submission).

Conditions:
Bardet-Biedl syndrome (BBS). Identifiers: Orphanet 110, MedGen C0752166, MONDO:0015229.

Submission:

Labcorp Genetics (formerly Invitae), Labcorp
Classification: Uncertain significance for Bardet-Biedl syndrome. Last evaluated: 2022-08-22. Review status: criteria provided, single submitter. Criteria: Invitae Variant Classification Sherloc (09022015). Collection method: clinical testing. Allele origin: germline.
Comment: In summary, the available evidence is currently insufficient to determine the role of this variant in disease. Therefore, it has been classified as a Variant of Uncertain Significance. Algorithms developed to predict the effect of missense changes on protein structure and function are either unavailable or do not agree on the potential impact of this missense change (SIFT: "Deleterious"; PolyPhen-2: "Possibly Damaging"; Align-GVGD: "Class C0"). ClinVar contains an entry for this variant (Variation ID: 1409515). This variant has not been reported in the literature in individuals affected with BBS2-related conditions. This variant is not present in population databases (gnomAD no frequency). This sequence change replaces leucine, which is neutral and non-polar, with methionine, which is neutral and non-polar, at codon 2 of the BBS2 protein (p.Leu2Met).

NM_031885.5(BBS2):c.4C>A (p.Leu2Met)

Gene: BBS2 (Bardet-Biedl syndrome 2; minus strand). Cytogenetic location: 16q13.
Variant type: single nucleotide variant.
Coding change: c.4C>A on transcript NM_031885.5 (MANE Select); coding-DNA position 4, C replaced by A.
Protein change: p.Leu2Met; replaces leucine 2 with methionine.
Molecular consequence: missense variant. On other transcripts: non-coding transcript variant (5).
Genome position (GRCh38, 1-based): chr16:56,519,859, G>T on the plus strand (C>A on the coding strand, the complement: BBS2 is on the minus strand). VCF-style: chr16-56519859-G-T. GRCh37 (hg19) VCF-style: chr16-56553771-G-T.
Other names: c.4C>A, p.Leu2Met (NM_001377456.1); short protein forms L2M.
Identifiers: ClinVar variation 1409515 (VCV001409515.6), dbSNP rs2144214806, ClinGen allele CA395988356.